The following is an entry in ClinVar:

NM_001458.5(FLNC):c.2930-5C>T

Gene: FLNC (filamin C; plus strand). Cytogenetic location: 7q32.1.
Variant type: single nucleotide variant.
Coding change: c.2930-5C>T on transcript NM_001458.5 (MANE Select); 5 bases into the intron before coding-DNA position 2930, C replaced by T.
Molecular consequence: intron variant.
Genome position (GRCh38, 1-based): chr7:128,843,999, C>T. VCF-style: chr7-128843999-C-T. GRCh37 (hg19) VCF-style: chr7-128484053-C-T.
Other names: c.2930-5C>T (NM_001127487.2).
Identifiers: ClinVar variation 493465 (VCV000493465.58), dbSNP rs371599113, ClinGen allele CA4474917.
Genomic context (GRCh38, chr7:128,843,999, plus strand): 5'-GAGTGAGGGGTATTCGGGTAGGGTGGACCGGAGTCTCCTCATGGTGTCACTTGCCCTCCA[C>T]GCAGAGGTGGCTGTGGGACAGGAACAAGCATTCTCTGTGAACACACGAGGGGCTGGCGGT-3'

ClinVar aggregate classification (germline): Conflicting classifications of pathogenicity. Review status: criteria provided, conflicting classifications (1 of 4 stars). 6 submissions from 6 submitters: Uncertain significance (2); Likely benign (3). 1 of the submissions does not count toward it. Last evaluated 2025-12-20.

Conditions:
FLNC-related disorder. Also called: FLNC-related disorders; FLNC-related condition.
Distal myopathy with posterior leg and anterior hand involvement. Also called: WILLIAMS DISTAL MYOPATHY. Identifiers: Orphanet 63273, MedGen C3279722, MONDO:0013550, OMIM 614065.
Hypertrophic cardiomyopathy 26. Also called: Cardiomyopathy, familial hypertrophic, 26. Identifiers: Orphanet 75249, MedGen C4310749, MONDO:0014883, OMIM 617047.
Myofibrillar myopathy 5. Also called: Filaminopathy (type); FILAMINOPATHY, AUTOSOMAL DOMINANT. Identifiers: Orphanet 171445, MedGen C1836050, MONDO:0012289, OMIM 609524.
Cardiovascular phenotype. Identifiers: MedGen CN230736.

Allele frequency attached by ClinVar (database versions not stated): gnomAD 0.00003; gnomAD exomes 0.00003 and 0.00004; ExAC 0.00004; ESP Exome Variant Server 0.00016.
gnomAD v4.1: 44 of 1,614,034 alleles (0.0027%); highest among the groups gnomAD compares: South Asian, 0.0055%; no homozygotes.

Submissions (6):

Labcorp Genetics (formerly Invitae), Labcorp
Classification: Likely benign for Distal myopathy with posterior leg and anterior hand involvement; Myofibrillar myopathy 5; Hypertrophic cardiomyopathy 26. Last evaluated: 2025-12-20. Review status: criteria provided, single submitter. Criteria: Invitae Variant Classification Sherloc (09022015). Collection method: clinical testing. Allele origin: germline.

Ambry Genetics
Classification: Uncertain significance for Cardiovascular phenotype. Last evaluated: 2025-03-10. Review status: criteria provided, single submitter. Criteria: Ambry Variant Classification Scheme 2023. Collection method: clinical testing. Allele origin: germline.
Comment: The c.2930-5C>T intronic variant results from a C to T substitution 5 nucleotides upstream from coding exon 20 in the FLNC gene. This nucleotide position is poorly conserved in available vertebrate species. In silico splice site analysis predicts that this alteration will not have any significant effect on splicing. Since supporting evidence is limited at this time, the clinical significance of this alteration remains unclear.

Laboratory of Genetics, Children's Clinical University Hospital Latvia
Classification: Likely benign. Last evaluated: 2025-02-16. Review status: criteria provided, single submitter. Criteria: ACMG Guidelines, 2015. Collection method: clinical testing. Allele origin: germline. Affected: yes.

Blueprint Genetics
Classification: Likely benign. Last evaluated: 2024-03-07. Review status: criteria provided, single submitter. Criteria: ACMG Guidelines, 2015. Collection method: clinical testing. Allele origin: germline.

CeGaT Center for Human Genetics Tuebingen
Classification: Uncertain significance. Last evaluated: 2017-08-01. Review status: criteria provided, single submitter. Criteria: CeGaT Center For Human Genetics Tuebingen Variant Classification Criteria Version 2. Collection method: clinical testing. Allele origin: germline. Affected: yes. Observed: 1 variant allele.

PreventionGenetics, part of Exact Sciences
Classification: Likely benign for FLNC-related condition. Last evaluated: 2020-09-29. Review status: no assertion criteria provided. Collection method: clinical testing. Allele origin: germline. Not counted in ClinVar's aggregate classification.
Comment: This variant is classified as likely benign based on ACMG/AMP sequence variant interpretation guidelines (Richards et al. 2015 PMID: 25741868, with internal and published modifications).